The following is an entry in ClinVar:

ClinVar aggregate classification (germline): Uncertain significance (1 of 4 stars; one submission).

gnomAD v4.1: 2 of 1,613,508 alleles (0.00012%); highest among the groups gnomAD compares: South Asian, 0.0011%; no homozygotes.

Submission:

Labcorp Genetics (formerly Invitae), Labcorp
Classification: Uncertain significance. Last evaluated: 2023-08-11. Review status: criteria provided, single submitter. Criteria: Invitae Variant Classification Sherloc (09022015). Collection method: clinical testing. Allele origin: germline.
Comment: In summary, the available evidence is currently insufficient to determine the role of this variant in disease. Therefore, it has been classified as a Variant of Uncertain Significance. Advanced modeling of protein sequence and biophysical properties (such as structural, functional, and spatial information, amino acid conservation, physicochemical variation, residue mobility, and thermodynamic stability) performed at Invitae indicates that this missense variant is expected to disrupt EMC1 protein function. This variant has not been reported in the literature in individuals affected with EMC1-related conditions. This variant is present in population databases (rs561638764, gnomAD 0.003%). This sequence change replaces valine, which is neutral and non-polar, with leucine, which is neutral and non-polar, at codon 807 of the EMC1 protein (p.Val807Leu).

NM_015047.3(EMC1):c.2419G>T (p.Val807Leu)

Genes: EMC1 (ER membrane protein complex subunit 1; minus strand), EMC1-AS1 (EMC1 antisense RNA 1; plus strand). Cytogenetic location: 1p36.13.
Variant type: single nucleotide variant.
Coding change: c.2419G>T on transcript NM_015047.3 (MANE Select); coding-DNA position 2419, G replaced by T.
Protein change: p.Val807Leu; replaces valine 807 with leucine.
Molecular consequence: missense variant.
Genome position (GRCh38, 1-based): chr1:19,222,792, C>A on the plus strand (G>T on the coding strand, the complement: EMC1 is on the minus strand). VCF-style: chr1-19222792-C-A. GRCh37 (hg19) VCF-style: chr1-19549286-C-A.
Other names: c.2416G>T, p.Val806Leu (NM_001271427.2, NM_001271428.2); c.2353G>T, p.Val785Leu (NM_001271429.2); c.2428G>T, p.Val810Leu (NM_001375820.1); c.2425G>T, p.Val809Leu (NM_001375821.1); short protein forms V810L, V785L, V806L, V807L, V809L.
Identifiers: ClinVar variation 2769981 (VCV002769981.3), dbSNP rs561638764, ClinGen allele CA652279.